The following is an entry in ClinVar:

NM_000384.3(APOB):c.12687C>T (p.Ser4229=)

Gene: APOB (apolipoprotein B; minus strand). Cytogenetic location: 2p24.1.
Variant type: single nucleotide variant.
Coding change: c.12687C>T on transcript NM_000384.3 (MANE Select); coding-DNA position 12687, C replaced by T.
Protein change: p.Ser4229=; no amino-acid change (serine 4229 retained).
Molecular consequence: synonymous variant.
Genome position (GRCh38, 1-based): chr2:21,002,735, G>A on the plus strand (C>T on the coding strand, the complement: APOB is on the minus strand). VCF-style: chr2-21002735-G-A. GRCh37 (hg19) VCF-style: chr2-21225607-G-A.
Identifiers: ClinVar variation 3392997 (VCV003392997.1).

ClinVar aggregate classification (germline): Likely benign (1 of 4 stars; one submission).

Conditions:
Familial hypercholesterolemia. Also called: Familial hypercholesterolaemia. Identifiers: MedGen C0020445, MONDO:0005439.

gnomAD v4.1: 1 of 1,612,346 alleles (0.000062%); highest among the groups gnomAD compares: Non-Finnish European, 0.000085%; no homozygotes.

Submission:

GENinCode PLC
Classification: Likely benign for Familial hypercholesterolemia. Last evaluated: 2024-03-27. Review status: criteria provided, single submitter. Criteria: ACMG Guidelines, 2015. Collection method: clinical testing. Allele origin: germline.
Comment: This is a synonymous (silent) variant that is not predicted by SpliceAI to impact splicing. In addition, it occurs at a nucleotide that is not conserved. Therefore this variant has been classified as Likely Benign (BP4, BP7).